The following is an entry in ClinVar:

NM_000447.3(PSEN2):c.520A>G (p.Met174Val)

Gene: PSEN2 (presenilin 2; plus strand). Cytogenetic location: 1q42.13.
Variant type: single nucleotide variant.
Coding change: c.520A>G on transcript NM_000447.3 (MANE Select); coding-DNA position 520, A replaced by G.
Protein change: p.Met174Val; replaces methionine 174 with valine.
Molecular consequence: missense variant.
Genome position (GRCh38, 1-based): chr1:226,888,112, A>G. VCF-style: chr1-226888112-A-G. GRCh37 (hg19) VCF-style: chr1-227075813-A-G.
Other names: c.520A>G, p.Met174Val (NM_012486.3); short protein forms M174V.
Identifiers: ClinVar variation 695724 (VCV000695724.21), dbSNP rs61757781, ClinGen allele CA1424559.
Genomic context (GRCh38, chr1:226,888,112, plus strand): 5'-TTGGGGACACCTTGTGATCGTGCAATTTCTGTTGTCTAGTTCATCCATGGCTGGTTGATC[A>G]TGTCTTCACTGATGCTGCTGTTCCTCTTCACCTATATCTACCTTGGGTAAGTGACAGATA-3'
Protein context (NP_000438.2, residues 164-184): CYKFIHGWLI[Met174Val]SSLMLLFLFT

ClinVar aggregate classification (germline): Benign/Likely benign. Review status: criteria provided, multiple submitters, no conflicts (2 of 4 stars). 7 submissions from 7 submitters: Benign (1); Likely benign (6). Last evaluated 2026-02-01.

Conditions:
Alzheimer disease 4 (AD4). Identifiers: Orphanet 1020, MedGen C1847200, MONDO:0011743, OMIM 606889.
Dilated cardiomyopathy 1V (CMD1V). Identifiers: Orphanet 154, MedGen C3150958, MONDO:0013373, OMIM 613697.

Allele frequency attached by ClinVar (database versions not stated): ESP Exome Variant Server 0.00023; gnomAD 0.00031 and 0.00036; gnomAD exomes 0.00038 and 0.00062; 1000 Genomes Project 0.00040; 1000 Genomes Project 30x 0.00047; TOPMed 0.00047; ExAC 0.00063.

Submissions (7):

CeGaT Center for Human Genetics Tuebingen
Classification: Likely benign. Last evaluated: 2026-02-01. Review status: criteria provided, single submitter. Criteria: CeGaT Center For Human Genetics Tuebingen Variant Classification Criteria Version 2. Collection method: clinical testing. Allele origin: germline. Affected: yes. Observed: 1 variant allele.
Comment: PSEN2: PM5, BS2

Women's Health and Genetics/Laboratory Corporation of America, LabCorp
Classification: Likely benign. Last evaluated: 2026-01-09. Review status: criteria provided, single submitter. Criteria: LabCorp Variant Classification Summary - May 2015. Collection method: clinical testing. Allele origin: germline.
Comment: Variant summary: PSEN2 c.520A>G (p.Met174Val) results in a conservative amino acid change in the encoded protein sequence. Algorithms developed to predict the effect of missense changes on protein structure and function are either unavailable or do not agree on the potential impact of this missense change. The variant allele was found at a frequency of 0.00038 in 1613918 control chromosomes, predominantly at a frequency of 0.0023 within the South Asian subpopulation in the gnomAD database, including 6 homozygotes. The observed variant frequency within South Asian control individuals in the gnomAD database exceeds the estimated maximal expected allele frequency for disease-causing variants in PSEN2. c.520A>G has been observed in individual(s) affected with clinical features of Alzheimer Disease 4 and/or frontotemporal dementia (example, Cruchaga_2012, Guerreiro_2010, Wojtas_2012, Lohmann_2012, Bartoletti-Stella_2022, Bartoletti-Stella_2018, Sims_2017, Ramos-Campoy_2020, Kunkle_2017, Fernandez_2017), without strong evidence of causality. In at least 1 family with a strong history of Alzheimer disease, the variant was only observed in 1 of the 5 affected individuals, suggesting non-segregation with disease (example, Fernandez_2017). These report(s) do not provide unequivocal conclusions about association of the variant with Alzheimer Disease 4. To our knowledge, no experimental evidence demonstrating an impact on protein function has been reported. The following publications have been ascertained in the context of this evaluation (PMID: 22312439, 27016693, 18667258, 23383383, 28985224, 33648786, 25525159, 26220970, 20164579, 31135820, 24853937, 29661148, 31624253, 26203236, 30104866, 24729694, 34321086, 35046557, 37108607, 30279455, 29525178, 32293029, 22503161, 32556937, 20375137, 36133075, 28750076, 29525180, 32087291, 33855622, 30412492, 28714976, 32317127, 28738127, 29091718, 31557888, 30797548). ClinVar contains an entry for this variant (Variation ID: 695724). Based on the evidence outlined above, the variant was classified as likely benign.

Labcorp Genetics (formerly Invitae), Labcorp
Classification: Likely benign for Alzheimer disease 4. Last evaluated: 2025-11-03. Review status: criteria provided, single submitter. Criteria: Invitae Variant Classification Sherloc (09022015). Collection method: clinical testing. Allele origin: germline.

Athena Diagnostics
Classification: Benign. Last evaluated: 2025-08-21. Review status: criteria provided, single submitter. Criteria: Athena Diagnostics Criteria. Collection method: clinical testing. Allele origin: unknown.
Comment: The frequency of this variant in the general population is higher than would generally be expected for pathogenic variants in this gene.

Blueprint Genetics
Classification: Likely benign. Last evaluated: 2024-09-19. Review status: criteria provided, single submitter. Criteria: ACMG Guidelines, 2015. Collection method: clinical testing. Allele origin: germline.

Fulgent Genetics
Classification: Likely benign for Alzheimer disease 4; Dilated cardiomyopathy 1V. Last evaluated: 2021-07-30. Review status: criteria provided, single submitter. Criteria: ACMG Guidelines, 2015. Collection method: clinical testing. Allele origin: unknown.

Breakthrough Genomics
Classification: Likely benign. Review status: criteria provided, single submitter. Criteria: ACMG Guidelines, 2015. Collection method: not provided. Allele origin: germline. Inheritance: Autosomal dominant inheritance. Affected: yes.

Literature cited by the submitters: PubMed 25525159 (cited by Women's Health and Genetics/Laboratory Corporation of America, LabCorp); PubMed 26220970 (cited by Women's Health and Genetics/Laboratory Corporation of America, LabCorp and Athena Diagnostics); PubMed 28750076 (cited by Women's Health and Genetics/Laboratory Corporation of America, LabCorp); PubMed 31624253 (cited by Women's Health and Genetics/Laboratory Corporation of America, LabCorp); PubMed 32556937 (cited by Women's Health and Genetics/Laboratory Corporation of America, LabCorp); PubMed 30279455 (cited by Women's Health and Genetics/Laboratory Corporation of America, LabCorp and Athena Diagnostics); PubMed 22312439 (cited by Women's Health and Genetics/Laboratory Corporation of America, LabCorp and Athena Diagnostics); PubMed 36133075 (cited by Women's Health and Genetics/Laboratory Corporation of America, LabCorp); PubMed 23383383 (cited by Women's Health and Genetics/Laboratory Corporation of America, LabCorp and Athena Diagnostics); PubMed 31557888 (cited by Women's Health and Genetics/Laboratory Corporation of America, LabCorp); PubMed 28985224 (cited by Women's Health and Genetics/Laboratory Corporation of America, LabCorp); PubMed 29525178 (cited by Women's Health and Genetics/Laboratory Corporation of America, LabCorp); PubMed 32087291 (cited by Women's Health and Genetics/Laboratory Corporation of America, LabCorp and Athena Diagnostics); PubMed 32293029 (cited by Women's Health and Genetics/Laboratory Corporation of America, LabCorp); PubMed 29091718 (cited by Women's Health and Genetics/Laboratory Corporation of America, LabCorp); PubMed 20375137 (cited by Women's Health and Genetics/Laboratory Corporation of America, LabCorp and Athena Diagnostics); PubMed 18667258 (cited by Women's Health and Genetics/Laboratory Corporation of America, LabCorp and Athena Diagnostics); PubMed 32317127 (cited by Women's Health and Genetics/Laboratory Corporation of America, LabCorp and Athena Diagnostics); PubMed 28714976 (cited by Women's Health and Genetics/Laboratory Corporation of America, LabCorp); PubMed 30104866 (cited by Women's Health and Genetics/Laboratory Corporation of America, LabCorp); PubMed 29661148 (cited by Women's Health and Genetics/Laboratory Corporation of America, LabCorp); PubMed 30412492 (cited by Women's Health and Genetics/Laboratory Corporation of America, LabCorp); PubMed 30797548 (cited by Women's Health and Genetics/Laboratory Corporation of America, LabCorp); PubMed 34321086 (cited by Women's Health and Genetics/Laboratory Corporation of America, LabCorp); PubMed 24729694 (cited by Women's Health and Genetics/Laboratory Corporation of America, LabCorp); PubMed 33855622 (cited by Women's Health and Genetics/Laboratory Corporation of America, LabCorp); PubMed 26203236 (cited by Women's Health and Genetics/Laboratory Corporation of America, LabCorp); PubMed 35046557 (cited by Women's Health and Genetics/Laboratory Corporation of America, LabCorp); PubMed 24853937 (cited by Women's Health and Genetics/Laboratory Corporation of America, LabCorp); PubMed 20164579 (cited by Women's Health and Genetics/Laboratory Corporation of America, LabCorp); PubMed 33648786 (cited by Women's Health and Genetics/Laboratory Corporation of America, LabCorp); PubMed 27016693 (cited by Women's Health and Genetics/Laboratory Corporation of America, LabCorp); PubMed 31135820 (cited by Women's Health and Genetics/Laboratory Corporation of America, LabCorp); PubMed 37108607 (cited by Women's Health and Genetics/Laboratory Corporation of America, LabCorp); PubMed 29525180 (cited by Women's Health and Genetics/Laboratory Corporation of America, LabCorp); PubMed 28738127 (cited by Women's Health and Genetics/Laboratory Corporation of America, LabCorp); PubMed 22503161 (cited by Women's Health and Genetics/Laboratory Corporation of America, LabCorp and Athena Diagnostics).